The following is an entry in ClinVar:

ClinVar aggregate classification (germline): Uncertain significance. Review status: criteria provided, multiple submitters, no conflicts (2 of 4 stars). 6 submissions from 6 submitters: Uncertain significance (6). Last evaluated 2025-05-14.

Conditions:
Hereditary cancer-predisposing syndrome. Also called: Hereditary Cancer Syndrome; Tumor predisposition; Hereditary neoplastic syndrome; Neoplastic Syndromes, Hereditary. Identifiers: Orphanet 140162, MedGen C0027672, MeSH D009386, MONDO:0015356.
Microcephaly, normal intelligence and immunodeficiency (NBS). Also called: SEEMANOVA SYNDROME II; Nijmegen breakage syndrome; Microcephaly with normal intelligence immunodeficiency and lymphoreticular malignancies; Nonsyndromal microcephaly autosomal recessive with normal intelligence; Seemanova syndrome 2; BERLIN BREAKAGE SYNDROME. Identifiers: Orphanet 647, MedGen C0398791, MONDO:0009623, OMIM 251260.

Allele frequency attached by ClinVar (database versions not stated): TOPMed 0.00002; gnomAD 0.00001.
gnomAD v4.1: 6 of 1,614,012 alleles (0.00037%); highest among the groups gnomAD compares: Admixed American, 0.0067%; no homozygotes.

Submissions (6):

Dasa
Classification: Uncertain significance. Last evaluated: 2025-05-14. Review status: criteria provided, single submitter. Criteria: DASA Assertion Criteria. Collection method: clinical testing. Allele origin: germline.
Comment: NM_002485.5(NBN):c.1063A>G (p.Ser355Gly) is a missense variant that results in the substitution of serine with glycine. This variant is rare in population databases. Computational prediction algorithms are consistent with a benign effect. The currently available literature and clinical evidence are not sufficient to establish a definitive association between this variant and the reported condition. Therefore, this variant is classified as a variant of uncertain significance.

Ambry Genetics
Classification: Uncertain significance for Hereditary cancer-predisposing syndrome. Last evaluated: 2025-01-17. Review status: criteria provided, single submitter. Criteria: Ambry Variant Classification Scheme 2023. Collection method: clinical testing. Allele origin: germline.

Quest Diagnostics Nichols Institute San Juan Capistrano
Classification: Uncertain significance. Last evaluated: 2024-09-29. Review status: criteria provided, single submitter. Criteria: Quest Diagnostics criteria. Collection method: clinical testing. Allele origin: unknown.
Comment: The NBN c.1063A>G (p.Ser355Gly) variant has been reported in the published literature in an individual with breast cancer as well as in an unaffected control in a breast cancer association study (PMID: 33471991 (2021), see also LOVD). The frequency of this variant in the general population, 0.000085 (3/35412 chromosomes (Genome Aggregation Database)), is uninformative in the assessment of its pathogenicity. Analysis of this variant using bioinformatics tools for the prediction of the effect of amino acid changes on protein structure and function yielded predictions that this variant is benign. Based on the available information, we are unable to determine the clinical significance of this variant.

Labcorp Genetics (formerly Invitae), Labcorp
Classification: Uncertain significance for Microcephaly, normal intelligence and immunodeficiency. Last evaluated: 2022-07-26. Review status: criteria provided, single submitter. Criteria: Invitae Variant Classification Sherloc (09022015). Collection method: clinical testing. Allele origin: germline.
Comment: This sequence change replaces serine, which is neutral and polar, with glycine, which is neutral and non-polar, at codon 355 of the NBN protein (p.Ser355Gly). This variant is present in population databases (rs762376159, gnomAD 0.009%). This variant has not been reported in the literature in individuals affected with NBN-related conditions. ClinVar contains an entry for this variant (Variation ID: 418976). Algorithms developed to predict the effect of missense changes on protein structure and function output the following: SIFT: "Tolerated"; PolyPhen-2: "Benign"; Align-GVGD: "Class C0". The glycine amino acid residue is found in multiple mammalian species, which suggests that this missense change does not adversely affect protein function. In summary, the available evidence is currently insufficient to determine the role of this variant in disease. Therefore, it has been classified as a Variant of Uncertain Significance.

Genome-Nilou Lab
Classification: Uncertain significance for Microcephaly, normal intelligence and immunodeficiency. Last evaluated: 2021-11-07. Review status: criteria provided, single submitter. Criteria: ACMG Guidelines, 2015. Collection method: clinical testing. Allele origin: germline. Affected: no.

GeneDx
Classification: Uncertain significance. Last evaluated: 2018-08-08. Review status: criteria provided, single submitter. Criteria: GeneDx Variant Classification (06012015). Collection method: clinical testing. Allele origin: germline. Affected: yes.
Comment: This variant is denoted NBN c.1063A>G at the cDNA level, p.Ser355Gly (S355G) at the protein level, and results in the change of a Serine to a Glycine (AGC>GGC). This variant has not, to our knowledge, been published in the literature as pathogenic or benign. NBN Ser355Gly was not observed at a significant allele frequency in large population cohorts (Lek 2016). This variant is not located in a known functional domain. In silico analysis, which includes protein predictors and evolutionary conservation, supports that this variant does not alter protein structure/function. Based on currently available information, it is unclear whether NBN Ser355Gly is a pathogenic or benign variant. We consider it to be a variant of uncertain significance.

Literature cited by the submitters: PubMed 33471991 (cited by Quest Diagnostics Nichols Institute San Juan Capistrano).

NM_002485.5(NBN):c.1063A>G (p.Ser355Gly)

Gene: NBN (nibrin; minus strand). Cytogenetic location: 8q21.3.
Variant type: single nucleotide variant.
Coding change: c.1063A>G on transcript NM_002485.5 (MANE Select); coding-DNA position 1063, A replaced by G.
Protein change: p.Ser355Gly; replaces serine 355 with glycine.
Molecular consequence: missense variant.
Genome position (GRCh38, 1-based): chr8:89,958,786, T>C on the plus strand (A>G on the coding strand, the complement: NBN is on the minus strand). VCF-style: chr8-89958786-T-C. GRCh37 (hg19) VCF-style: chr8-90971014-T-C.
Other names: c.817A>G, p.Ser273Gly (NM_001024688.3); short protein forms S355G, S273G.
Identifiers: ClinVar variation 418976 (VCV000418976.21), dbSNP rs762376159, ClinGen allele CA4802810.